The following is an entry in ClinVar:

NM_182760.4(SUMF1):c.602+1G>T

Gene: SUMF1 (sulfatase modifying factor 1; minus strand). Cytogenetic location: 3p26.1.
Variant type: single nucleotide variant.
Coding change: c.602+1G>T on transcript NM_182760.4 (MANE Select); the canonical splice donor site of the intron after coding-DNA position 602, G replaced by T.
Molecular consequence: splice donor variant.
Genome position (GRCh38, 1-based): chr3:4,420,063, C>A on the plus strand (G>T on the coding strand, the complement: SUMF1 is on the minus strand). VCF-style: chr3-4420063-C-A. GRCh37 (hg19) VCF-style: chr3-4461747-C-A.
Other names: c.527+1G>T (NM_001164674.2); c.602+1G>T (NM_001164675.2).
Identifiers: ClinVar variation 2746860 (VCV002746860.3), dbSNP rs143616931, ClinGen allele CA351632819.
Genomic context (GRCh38, chr3:4,420,063, plus strand): 5'-AGCAAAGGGTACCTATTTTGCAATGGAACTTGTCAACTGGGGAAAGAGGGACCAGCCTCA[C>A]CTGTGCAGAATAGTAGAGTCAGGCCCTTCTGGGTGTCTCCAGTTAGCGCCTTTCACAGGT-3'

ClinVar aggregate classification (germline): Pathogenic (1 of 4 stars; one submission).

Conditions:
Multiple sulfatase deficiency (MSD). Also called: Mucosulfatidosis; Multiple Sulfatase Deficiency Disease; Sulfatidosis, Juvenile, Austin Type. Identifiers: Orphanet 585, MedGen C0268263, MONDO:0010088, OMIM 272200.

Submission:

Labcorp Genetics (formerly Invitae), Labcorp
Classification: Pathogenic for Multiple sulfatase deficiency. Last evaluated: 2023-07-25. Review status: criteria provided, single submitter. Criteria: Invitae Variant Classification Sherloc (09022015). Collection method: clinical testing. Allele origin: germline.
Comment: This sequence change affects a donor splice site in intron 4 of the SUMF1 gene. It is expected to disrupt RNA splicing. Variants that disrupt the donor or acceptor splice site typically lead to a loss of protein function (PMID: 16199547), and loss-of-function variants in SUMF1 are known to be pathogenic (PMID: 12757705, 12757706, 25885655). This variant is not present in population databases (gnomAD no frequency). For these reasons, this variant has been classified as Pathogenic. Algorithms developed to predict the effect of sequence changes on RNA splicing suggest that this variant may disrupt the consensus splice site. Disruption of this splice site has been observed in individual(s) with atypical multiple sulfatase deficiency (PMID: 26825355).

Literature cited by the submitters: PubMed 16199547; PubMed 12757705; PubMed 12757706; PubMed 25885655; PubMed 26825355.